The following is an entry in ClinVar:

NM_173628.4(DNAH17):c.3659G>A (p.Arg1220His)

Gene: DNAH17 (dynein axonemal heavy chain 17; minus strand). Cytogenetic location: 17q25.3.
Variant type: single nucleotide variant.
Coding change: c.3659G>A on transcript NM_173628.4 (MANE Select); coding-DNA position 3659, G replaced by A.
Protein change: p.Arg1220His; replaces arginine 1220 with histidine.
Molecular consequence: missense variant.
Genome position (GRCh38, 1-based): chr17:78,526,703, C>T on the plus strand (G>A on the coding strand, the complement: DNAH17 is on the minus strand). VCF-style: chr17-78526703-C-T. GRCh37 (hg19) VCF-style: chr17-76522785-C-T.
Other names: short protein forms R1220H.
Identifiers: ClinVar variation 402693 (VCV000402693.8), dbSNP rs61744544, ClinGen allele CA8804106.
Genomic context (GRCh38, chr17:78,526,703, plus strand): 5'-AAAAATACCTTATTCAGGGACTTGTAGGGGTTGGGGTCGCTGAAGGAGAACGGGGCCTCG[C>T]GCCTGAACCTCTCCCTGAACTCATGTTGCTTGAGCTGCGAGAGAAGAGTGCAAAGTACAG-3'
Protein context (NP_775899.3, residues 1210-1230): KQHEFRERFR[Arg1220His]EAPFSFSDPN

ClinVar aggregate classification (germline): Benign. Review status: criteria provided, multiple submitters, no conflicts (2 of 4 stars). 4 submissions from 4 submitters: Benign (3). 1 of the submissions does not count toward it. Last evaluated 2021-05-04.

Conditions:
DNAH17-related disorder. Also called: DNAH17-related condition.

Allele frequency attached by ClinVar (database versions not stated): 1000 Genomes Project 0.09245; 1000 Genomes Project 30x 0.09291; ESP Exome Variant Server 0.12914; TOPMed 0.12915; gnomAD 0.13180 and 0.13251; ExAC 0.15255.
gnomAD v4.1: 254,237 of 1,609,628 alleles (16%); highest among the groups gnomAD compares: Middle Eastern, 21%; 21,556 homozygotes.

Submissions (4):

GeneDx
Classification: Benign. Last evaluated: 2021-05-04. Review status: criteria provided, single submitter. Criteria: GeneDx Variant Classification Process June 2021. Collection method: clinical testing. Allele origin: germline. Affected: yes.

Laboratory for Molecular Medicine, Mass General Brigham Personalized Medicine
Classification: Benign. Last evaluated: 2016-03-29. Review status: criteria provided, single submitter. Criteria: LMM Criteria. Collection method: clinical testing. Allele origin: germline.
Comment: Variant identified in a genome or exome case(s) and assessed due to predicted null impact of the variant or pathogenic assertions in the literature or databases. Disclaimer: This variant has not undergone full assessment. The following are preliminary notes: Frequency

Breakthrough Genomics
Classification: Benign. Review status: criteria provided, single submitter. Criteria: ACMG Guidelines, 2015. Collection method: not provided. Allele origin: germline. Inheritance: Autosomal recessive inheritance. Affected: yes.

PreventionGenetics, part of Exact Sciences
Classification: Benign for DNAH17-related condition. Last evaluated: 2019-10-29. Review status: no assertion criteria provided. Collection method: clinical testing. Allele origin: germline. Not counted in ClinVar's aggregate classification.
Comment: This variant is classified as benign based on ACMG/AMP sequence variant interpretation guidelines (Richards et al. 2015 PMID: 25741868, with internal and published modifications).